The following is an entry in ClinVar:

NM_000715.4(C4BPA):c.1066C>T (p.Pro356Ser)

Gene: C4BPA (complement component 4 binding protein alpha; plus strand). Cytogenetic location: 1q32.2.
Variant type: single nucleotide variant.
Coding change: c.1066C>T on transcript NM_000715.4 (MANE Select); coding-DNA position 1066, C replaced by T.
Protein change: p.Pro356Ser; replaces proline 356 with serine.
Molecular consequence: missense variant.
Genome position (GRCh38, 1-based): chr1:207,131,722, C>T. VCF-style: chr1-207131722-C-T. GRCh37 (hg19) VCF-style: chr1-207305067-C-T.
Other names: short protein forms P356S.
Identifiers: ClinVar variation 3030960 (VCV003030960.2), dbSNP rs765048329, ClinGen allele CA1367693.

ClinVar aggregate classification (germline): Uncertain significance (0 of 4 stars; one submission).

Conditions:
C4BPA-related disorder. Also called: C4BPA-related condition.

Allele frequency attached by ClinVar (database versions not stated): ExAC 0.00001; gnomAD 0.00001; gnomAD exomes 0.00001; TOPMed 0.00001.
gnomAD v4.1: 18 of 1,611,966 alleles (0.0011%); highest among the groups gnomAD compares: Non-Finnish European, 0.0014%; no homozygotes.

Submission:

PreventionGenetics, part of Exact Sciences
Classification: Uncertain significance for C4BPA-related condition. Last evaluated: 2024-01-11. Review status: no assertion criteria provided. Collection method: clinical testing. Allele origin: germline.
Comment: The C4BPA c.1066C>T variant is predicted to result in the amino acid substitution p.Pro356Ser. To our knowledge, this variant has not been reported in the literature. This variant is reported in 0.00088% of alleles in individuals of European (Non-Finnish) descent in gnomAD. At this time, the clinical significance of this variant is uncertain due to the absence of conclusive functional and genetic evidence.